The following is an entry in ClinVar:

NM_153033.5(KCTD7):c.631C>T (p.Arg211Ter)

Gene: KCTD7 (potassium channel tetramerization domain containing 7; plus strand). Cytogenetic location: 7q11.21.
Variant type: single nucleotide variant.
Coding change: c.631C>T on transcript NM_153033.5 (MANE Select); coding-DNA position 631, C replaced by T.
Protein change: p.Arg211Ter; replaces arginine 211 with a stop codon.
Molecular consequence: nonsense.
Genome position (GRCh38, 1-based): chr7:66,638,993, C>T. VCF-style: chr7-66638993-C-T. GRCh37 (hg19) VCF-style: chr7-66103980-C-T.
Other names: c.631C>T, p.Arg211Ter (NM_001167961.2); short protein forms R211*.
Identifiers: ClinVar variation 379332 (VCV000379332.16), dbSNP rs750811871, ClinGen allele CA4278309.
Genomic context (GRCh38, chr7:66,638,993, plus strand): 5'-TGTGTCTTCAAGGAGGAGATGCCCATCACCCCCTATGAGTGTCCGCTCCTCAACTCCCTG[C>T]GATTTGAGCGGAGTGAGAGTGACGGGCAGCTTTTTGAGCACCACTGTGAAGTGGATGTGT-3'

ClinVar aggregate classification (germline): Pathogenic/Likely pathogenic. Review status: criteria provided, multiple submitters, no conflicts (2 of 4 stars). 7 submissions from 7 submitters: Pathogenic (5); Likely pathogenic (2). Last evaluated 2025-10-01.

Conditions:
Inborn genetic diseases. Identifiers: MedGen C0950123, MeSH D030342.
Intellectual disability. Also called: Intellectual functioning disability; intellectual disabilities; Intellectual developmental disorder. Identifiers: MedGen C3714756, MeSH D008607, MONDO:0001071, HP:0001249.
Progressive myoclonic epilepsy type 3. Also called: EPILEPSY, PROGRESSIVE MYOCLONIC, 3, WITH OR WITHOUT INTRACELLULAR INCLUSIONS; CEROID LIPOFUSCINOSIS, NEURONAL, 14; EPILEPSY, PROGRESSIVE MYOCLONIC, 3, WITHOUT INTRACELLULAR INCLUSIONS; KCTD7-Related Progressive Myoclonic Epilepsy. Identifiers: Orphanet 263516, MedGen C2673257, MONDO:0012721, OMIM 611726.

Allele frequency attached by ClinVar (database versions not stated): gnomAD 0.00001; TOPMed 0.00001; gnomAD exomes below 0.00001; ExAC 0.00001.

Submissions (7):

Excellence Center for Genomics and Precision Medicine, King Chulalongkorn Memorial Hospital
Classification: Pathogenic for Progressive myoclonic epilepsy type 3. Last evaluated: 2025-10-01. Review status: criteria provided, single submitter. Criteria: ACMG Guidelines, 2015. Collection method: clinical testing. Allele origin: germline. Affected: yes.
Comment: PVS1_strong, PM3_strong, PM2_supporting

Fulgent Genetics
Classification: Likely pathogenic for Progressive myoclonic epilepsy type 3. Last evaluated: 2024-06-03. Review status: criteria provided, single submitter. Criteria: ACMG Guidelines, 2015. Collection method: clinical testing. Allele origin: germline.

Labcorp Genetics (formerly Invitae), Labcorp
Classification: Pathogenic for Progressive myoclonic epilepsy type 3. Last evaluated: 2024-05-18. Review status: criteria provided, single submitter. Criteria: Invitae Variant Classification Sherloc (09022015). Collection method: clinical testing. Allele origin: germline.
Comment: This sequence change creates a premature translational stop signal (p.Arg211*) in the KCTD7 gene. While this is not anticipated to result in nonsense mediated decay, it is expected to disrupt the last 79 amino acid(s) of the KCTD7 protein. This variant is present in population databases (rs750811871, gnomAD 0.0009%). This premature translational stop signal has been observed in individuals with progressive myoclonic epilepsy (PMID: 30295347, 30825425, 30919572). ClinVar contains an entry for this variant (Variation ID: 379332). This variant disrupts the p.Tyr276 amino acid residue in KCTD7. Other variant(s) that disrupt this residue have been determined to be pathogenic (PMID: 25060828, 27742667). This suggests that this residue is clinically significant, and that variants that disrupt this residue are likely to be disease-causing. For these reasons, this variant has been classified as Pathogenic.

Ambry Genetics
Classification: Pathogenic for Inborn genetic diseases. Last evaluated: 2022-07-04. Review status: criteria provided, single submitter. Criteria: Ambry Variant Classification Scheme 2023. Collection method: clinical testing. Allele origin: germline.
Comment: This alteration occurs at the 3' terminus of the KCTD7 gene, is not expected to trigger nonsense-mediated mRNA decay, and impacts the last 27% of the protein. Premature stop codons are typically deleterious in nature and the impacted region is critical for protein function (Ambry internal data). Based on data from gnomAD, the T allele has an overall frequency of <0.001% (1/251446) total alleles studied. The highest observed frequency was 0.001% (1/113730) of European (non-Finnish) alleles. This alteration has been detected in the homozygous state or in conjunction with another KCTD7 variant in multiple individuals with features consistent with KCTD7-related progressive myoclonus epilepsy (Deciphering Developmental Disorders Study, 2015; Mei, 2019; Ambry internal data). Based on the available evidence, this alteration is classified as pathogenic.

Victorian Clinical Genetics Services, Murdoch Childrens Research Institute
Classification: Pathogenic for Progressive myoclonic epilepsy type 3. Last evaluated: 2022-02-02. Review status: criteria provided, single submitter. Criteria: ACMG Guidelines, 2015. Collection method: clinical testing. Allele origin: germline. Inheritance: Autosomal recessive inheritance. Affected: yes.
Comment: Based on the classification scheme VCGS_Germline_v1.3.4, this variant is classified as Pathogenic. Following criteria are met: 0102 - Loss of function is a known mechanism of disease in this gene and is associated with PME (MIM#611726). (I) 0106 - This gene is associated with autosomal recessive disease. (I) 0205 - Variant is predicted to result in a truncated protein (premature termination codon is NOT located at least 54 nucleotides upstream of the final exon-exon junction). (SP) 0251 - This variant is heterozygous. (I) 0304 - Variant is present in gnomAD (v2 & v3) <0.01 for a recessive condition (2 heterozygotes, 0 homozygotes). (SP) 0702 - Other truncating variants comparable to the one identified in this case have strong previous evidence for pathogenicity. At least three other downstream truncating variants have previously been reported in individuals with progressive myoclonic epilepsy 3 (PME; MIM#611726) (ClinVar, PMID: 30295347). (SP) 0802 - This variant has moderate previous evidence of pathogenicity in unrelated individuals. The variant has previously been observed in compound heterozygosity with missense variants in at least three individuals with PME (MIM#611726), however it also has conflicting classifications of both VUS and pathogenic in ClinVar (DECIPHER, PMID: 25533962, PMID: 30295347, PMID: 30825425). (SP) 1208 - Inheritance information for this variant is not currently available in this individual. (I) Legend: (SP) - Supporting pathogenic, (I) - Information, (SB) - Supporting benign

Cambridge Genomics Laboratory, East Genomic Laboratory Hub, NHS Genomic Medicine Service
Classification: Likely pathogenic for Intellectual disability. Last evaluated: 2020-06-18. Review status: criteria provided, single submitter. Criteria: ACGS Best Practice Guidelines for Variant Classification in Rare Disease 2020. Collection method: clinical testing. Allele origin: germline. Affected: yes. Observed: 1 variant allele.

GeneDx
Classification: Pathogenic. Last evaluated: 2015-03-24. Review status: criteria provided, single submitter. Criteria: GeneDx Variant Classification (06012015). Collection method: clinical testing. Allele origin: germline. Affected: yes.
Comment: The R211X variant in the KCTD7 gene has not been reported previously as a pathogenic variantnor as a benign polymorphism, to our knowledge. This variant is predicted to cause loss of normal protein function through protein truncation. The R211X variant was not observed in approximately 6,500individuals of European and African American ancestry in the NHLBI Exome Sequencing Project;however data from ethnically-matched control individuals were not available to assess for a population-specific benign variant. We interpret R211X as a pathogenic variant.

Literature cited by the submitters: PubMed 30295347 (cited by Labcorp Genetics (formerly Invitae), Labcorp and Victorian Clinical Genetics Services, Murdoch Childrens Research Institute); PubMed 30825425 (cited by 3 submitters); PubMed 30919572 (cited by Labcorp Genetics (formerly Invitae), Labcorp); PubMed 25060828 (cited by Labcorp Genetics (formerly Invitae), Labcorp); PubMed 27742667 (cited by Labcorp Genetics (formerly Invitae), Labcorp); PubMed 25533962 (cited by Ambry Genetics and Victorian Clinical Genetics Services, Murdoch Childrens Research Institute).